The following is an entry in ClinVar:

NM_000057.4(BLM):c.3359-2A>G

Gene: BLM (BLM RecQ like helicase; plus strand). Cytogenetic location: 15q26.1.
Variant type: single nucleotide variant.
Coding change: c.3359-2A>G on transcript NM_000057.4 (MANE Select); the canonical splice acceptor site of the intron before coding-DNA position 3359, A replaced by G.
Molecular consequence: splice acceptor variant. On other transcripts: intron variant (1).
Genome position (GRCh38, 1-based): chr15:90,803,519, A>G. VCF-style: chr15-90803519-A-G. GRCh37 (hg19) VCF-style: chr15-91346749-A-G.
Other names: c.3359-2A>G (NM_001287246.2, NM_000057.2, NM_000057.3); c.2234-2A>G (NM_001287248.2); c.3358+5182A>G (NM_001287247.2).
Identifiers: ClinVar variation 2680167 (VCV002680167.6), dbSNP rs1243923870, ClinGen allele CA393847422.

ClinVar aggregate classification (germline): Likely pathogenic. Review status: criteria provided, multiple submitters, no conflicts (2 of 4 stars). 4 submissions from 4 submitters: Likely pathogenic (4). Last evaluated 2025-12-08.

Conditions:
Hereditary cancer-predisposing syndrome. Also called: Neoplastic Syndromes, Hereditary; Hereditary neoplastic syndrome; Tumor predisposition; Hereditary Cancer Syndrome. Identifiers: Orphanet 140162, MedGen C0027672, MeSH D009386, MONDO:0015356.
Bloom syndrome (BLM). Also called: Bloom-Torre-Machacek syndrome. Identifiers: Orphanet 125, MedGen C0005859, MONDO:0008876, OMIM 210900.

Allele frequency attached by ClinVar (database versions not stated): gnomAD 0.00001; gnomAD exomes 0.00001.
gnomAD v4.1: 10 of 1,611,032 alleles (0.00062%); highest among the groups gnomAD compares: Non-Finnish European, 0.00042%; no homozygotes.

Submissions (4):

Labcorp Genetics (formerly Invitae), Labcorp
Classification: Likely pathogenic for Bloom syndrome. Last evaluated: 2025-12-08. Review status: criteria provided, single submitter. Criteria: Invitae Variant Classification Sherloc (09022015). Collection method: clinical testing. Allele origin: germline.
Comment: This sequence change affects an acceptor splice site in intron 17 of the BLM gene. It is expected to disrupt RNA splicing. Variants that disrupt the donor or acceptor splice site typically lead to a loss of protein function (PMID: 16199547), and loss-of-function variants in BLM are known to be pathogenic (PMID: 17407155). This variant is present in population databases (no rsID available, gnomAD 0.03%). This variant has not been reported in the literature in individuals affected with BLM-related conditions. ClinVar contains an entry for this variant (Variation ID: 2680167). Algorithms developed to predict the effect of sequence changes on RNA splicing suggest that this variant may disrupt the consensus splice site. In summary, the currently available evidence indicates that the variant is pathogenic, but additional data are needed to prove that conclusively. Therefore, this variant has been classified as Likely Pathogenic.

Natera, Inc.
Classification: Likely pathogenic for Bloom syndrome. Last evaluated: 2024-10-24. Review status: criteria provided, single submitter. Criteria: Natera Variant Classification Schema (03/2026). Collection method: clinical testing. Allele origin: germline.
Comment: The c.3359-2A>G variant in BLM is a canonical splice acceptor site variant predicted to affect pre-mRNA splicing, which may result in an abnormal transcript and altered protein product. This variant is expected to result in nonsense mediated decay, truncation, or a dysfunctional protein product. This variant is rare in the general population with a frequency below the threshold expected for the associated phenotype(s). Given the available evidence, this variant is classified as Likely Pathogenic.

Ambry Genetics
Classification: Likely pathogenic for Hereditary cancer-predisposing syndrome. Last evaluated: 2023-11-08. Review status: criteria provided, single submitter. Criteria: Ambry Variant Classification Scheme 2023. Collection method: clinical testing. Allele origin: germline.
Comment: The c.3359-2A>G intronic variant results from an A to G substitution two nucleotides upstream from coding exon 17 in the BLM gene. This nucleotide position is highly conserved in available vertebrate species. In silico splice site analysis predicts that this alteration will weaken the native splice acceptor site and will result in the creation or strengthening of a novel splice acceptor site. Alterations that disrupt the canonical splice site are expected to cause aberrant splicing, resulting in an abnormal protein or a transcript that is subject to nonsense-mediated mRNA decay. As such, this alteration is classified as likely pathogenic variant.

Baylor Genetics
Classification: Likely pathogenic for Bloom syndrome. Last evaluated: 2023-08-20. Review status: criteria provided, single submitter. Criteria: ACMG Guidelines, 2015. Collection method: clinical testing. Allele origin: unknown.

Literature cited by the submitters: PubMed 16199547 (cited by Labcorp Genetics (formerly Invitae), Labcorp); PubMed 17407155 (cited by Labcorp Genetics (formerly Invitae), Labcorp).